The following is an entry in ClinVar:

ClinVar aggregate classification (germline): Conflicting classifications of pathogenicity. Review status: criteria provided, conflicting classifications (1 of 4 stars). 2 submissions from 1 submitter: Uncertain significance (1); Likely benign (1). Last evaluated 2018-01-13.

Conditions:
Hereditary angioedema type 3 (HAE3). Also called: ANGIONEUROTIC EDEMA, HEREDITARY, WITH NORMAL C1 INHIBITOR CONCENTRATION AND FUNCTION; ESTROGEN-RELATED HAE; ESTROGEN-SENSITIVE HAE; HAE WITH NORMAL C1 INHIBITOR CONCENTRATION AND FUNCTION. Identifiers: Orphanet 100054, MedGen C1857728, MONDO:0012526, OMIM 610618.
Factor XII deficiency disease. Also called: F12 DEFICIENCY; HAF DEFICIENCY; Reduced factor XII activity; Congenital factor XII deficiency. Identifiers: Orphanet 330, MedGen C0015526, MONDO:0009315, OMIM 234000, HP:0004841.

Allele frequency attached by ClinVar (database versions not stated): ExAC 0.00005; gnomAD exomes 0.00007 and 0.00018; TOPMed 0.00010; gnomAD 0.00011 and 0.00012; 1000 Genomes Project 30x 0.00016; 1000 Genomes Project 0.00020.

Submissions (2):

Illumina Laboratory Services, Illumina
Classification: Uncertain significance for Factor XII deficiency disease. Last evaluated: 2018-01-13. Review status: criteria provided, single submitter. Criteria: ICSL Variant Classification Criteria 13 December 2019. Collection method: clinical testing. Allele origin: germline.

Illumina Laboratory Services, Illumina
Classification: Likely benign for Hereditary angioedema type 3. Last evaluated: 2018-01-13. Review status: criteria provided, single submitter. Criteria: ICSL Variant Classification Criteria 13 December 2019. Collection method: clinical testing. Allele origin: germline.
Comment: This variant was observed in the ICSL laboratory as part of a predisposition screen in an ostensibly healthy population. It had not been previously curated by ICSL or reported in the Human Gene Mutation Database (HGMD: prior to June 1st, 2018), and was therefore a candidate for classification through an automated scoring system. Utilizing variant allele frequency, disease prevalence and penetrance estimates, and inheritance mode, an automated score was calculated to assess if this variant is too frequent to cause the disease. Based on the score and internal cut-off values, a variant classified as likely benign is not then subjected to further curation. The score for this variant resulted in a classification of likely benign for this disease.

NM_000505.4(F12):c.-3G>A

Gene: F12 (coagulation factor XII; minus strand). Cytogenetic location: 5q35.3.
Variant type: single nucleotide variant.
Coding change: c.-3G>A on transcript NM_000505.4 (MANE Select); 3 bases upstream of the start codon, G replaced by A.
Molecular consequence: 5 prime UTR variant.
Genome position (GRCh38, 1-based): chr5:177,409,530, C>T on the plus strand (G>A on the coding strand, the complement: F12 is on the minus strand). VCF-style: chr5-177409530-C-T. GRCh37 (hg19) VCF-style: chr5-176836531-C-T.
Identifiers: ClinVar variation 353004 (VCV000353004.5), dbSNP rs201346142, ClinGen allele CA3581663.